The following is an entry in ClinVar:

ClinVar aggregate classification (germline): Uncertain significance (1 of 4 stars; one submission).

Conditions:
Holoprosencephaly 5 (HPE5). Identifiers: Orphanet 2162, MedGen C1864827, MONDO:0012322, OMIM 609637.

Submission:

Labcorp Genetics (formerly Invitae), Labcorp
Classification: Uncertain significance for Holoprosencephaly 5. Last evaluated: 2025-08-18. Review status: criteria provided, single submitter. Criteria: Invitae Variant Classification Sherloc (09022015). Collection method: clinical testing. Allele origin: germline.
Comment: This variant, c.1386_1406del, results in the deletion of 7 amino acid(s) of the ZIC2 protein (p.Ala464_Ala470del), but otherwise preserves the integrity of the reading frame. The frequency data for this variant in the population databases is considered unreliable, as metrics indicate poor data quality at this position in the gnomAD database. This variant has not been reported in the literature in individuals affected with ZIC2-related conditions. ClinVar contains an entry for this variant (Variation ID: 1346553). Experimental studies and prediction algorithms are not available or were not evaluated, and the functional significance of this variant is currently unknown. In summary, the available evidence is currently insufficient to determine the role of this variant in disease. Therefore, it has been classified as a Variant of Uncertain Significance.

NM_007129.5(ZIC2):c.1386_1406del (p.Ala464_Ala470del)

Genes: ZIC2 (Zic family zinc finger 2; plus strand), LOC110008580 (Zic family member 2 polyalanine repeat instability region; plus strand). Cytogenetic location: 13q32.3.
Variant type: Deletion.
Coding change: c.1386_1406del on transcript NM_007129.5 (MANE Select); coding-DNA positions 1386 to 1406, 21 bases deleted (GGCGGCTGCGGCGGCGGCGGC).
Protein change: p.Ala464_Ala470del.
Molecular consequence: inframe deletion.
Genome position (GRCh38, 1-based): chr13:99,985,469-99,985,489, GGCGGCTGCGGCGGCGGCGGC deleted; deleting any 21 consecutive bases within chr13:99,985,461-99,985,489 gives the same sequence; the c. name uses the placement nearest the transcript's 3' end. VCF-style (leftmost placement, unchanged base first): chr13-99985460-AGCGGCGGCGGCGGCTGCGGCG-A. GRCh37 (hg19) VCF-style: chr13-100637714-AGCGGCGGCGGCGGCTGCGGCG-A.
Identifiers: ClinVar variation 1346553 (VCV001346553.8), dbSNP rs761822481, ClinGen allele CA7032984.